The following is an entry in ClinVar:

NM_001184.4(ATR):c.2621G>C (p.Gly874Ala)

Gene: ATR (ATR checkpoint kinase; minus strand). Cytogenetic location: 3q23.
Variant type: single nucleotide variant.
Coding change: c.2621G>C on transcript NM_001184.4 (MANE Select); coding-DNA position 2621, G replaced by C.
Protein change: p.Gly874Ala; replaces glycine 874 with alanine.
Molecular consequence: missense variant.
Genome position (GRCh38, 1-based): chr3:142,553,652, C>G on the plus strand (G>C on the coding strand, the complement: ATR is on the minus strand). VCF-style: chr3-142553652-C-G. GRCh37 (hg19) VCF-style: chr3-142272494-C-G.
Other names: c.2429G>C, p.Gly810Ala (NM_001354579.2); short protein forms G810A, G874A.
Identifiers: ClinVar variation 1793958 (VCV001793958.2), dbSNP rs2473383891, ClinGen allele CA354815317.

ClinVar aggregate classification (germline): Uncertain significance (1 of 4 stars; one submission).

Conditions:
Inborn genetic diseases. Identifiers: MedGen C0950123, MeSH D030342.

Submission:

Ambry Genetics
Classification: Uncertain significance for Inborn genetic diseases. Last evaluated: 2021-09-04. Review status: criteria provided, single submitter. Criteria: Ambry Variant Classification Scheme 2023. Collection method: clinical testing. Allele origin: germline.
Comment: The p.G874A variant (also known as c.2621G>C), located in coding exon 12 of the ATR gene, results from a G to C substitution at nucleotide position 2621. The glycine at codon 874 is replaced by alanine, an amino acid with similar properties. This amino acid position is conserved. In addition, this alteration is predicted to be deleterious by in silico analysis. Since supporting evidence is limited at this time, the clinical significance of this alteration remains unclear.